The following is an entry in ClinVar:

NM_006389.5(HYOU1):c.355C>T (p.Arg119Cys)

Gene: HYOU1 (hypoxia up-regulated 1; minus strand). Cytogenetic location: 11q23.3.
Variant type: single nucleotide variant.
Coding change: c.355C>T on transcript NM_006389.5 (MANE Select); coding-DNA position 355, C replaced by T.
Protein change: p.Arg119Cys; replaces arginine 119 with cysteine.
Molecular consequence: missense variant.
Genome position (GRCh38, 1-based): chr11:119,055,249, G>A on the plus strand (C>T on the coding strand, the complement: HYOU1 is on the minus strand). VCF-style: chr11-119055249-G-A. GRCh37 (hg19) VCF-style: chr11-118925961-G-A.
Other names: c.355C>T, p.Arg119Cys (NM_001130991.3, NM_001411041.1); short protein forms R119C.
Identifiers: ClinVar variation 2184772 (VCV002184772.4), dbSNP rs2134707605, ClinGen allele CA382952623.
Genomic context (GRCh38, chr11:119,055,249, plus strand): 5'-TGATCTGAAAGTGCACAGTCTGCCTCTGTGGGTCGAAAGTCAGCTCGTGCTCCGGGAAGC[G>A]GGCCTGGTAAAGAGCTACATGGGGGTTATCTGCCTGCTTCCCCAGGAGGTGCTGGAAGTA-3'
Protein context (NP_006380.1, residues 109-129): DNPHVALYQA[Arg119Cys]FPEHELTFDP

ClinVar aggregate classification (germline): Uncertain significance (1 of 4 stars; one submission).

Allele frequency attached by ClinVar (database versions not stated): gnomAD exomes below 0.00001.

Submission:

Labcorp Genetics (formerly Invitae), Labcorp
Classification: Uncertain significance. Last evaluated: 2023-02-09. Review status: criteria provided, single submitter. Criteria: Invitae Variant Classification Sherloc (09022015). Collection method: clinical testing. Allele origin: germline.
Comment: This variant has not been reported in the literature in individuals affected with HYOU1-related conditions. This sequence change replaces arginine, which is basic and polar, with cysteine, which is neutral and slightly polar, at codon 119 of the HYOU1 protein (p.Arg119Cys). This variant is not present in population databases (gnomAD no frequency). Algorithms developed to predict the effect of missense changes on protein structure and function are either unavailable or do not agree on the potential impact of this missense change (SIFT: "Deleterious"; PolyPhen-2: "Benign"; Align-GVGD: "Class C25"). In summary, the available evidence is currently insufficient to determine the role of this variant in disease. Therefore, it has been classified as a Variant of Uncertain Significance.